The following is an entry in ClinVar:

ClinVar aggregate classification (germline): Uncertain significance. Review status: criteria provided, multiple submitters, no conflicts (2 of 4 stars). 2 submissions from 2 submitters: Uncertain significance (2). Last evaluated 2025-11-20.

Conditions:
Inborn genetic diseases. Identifiers: MedGen C0950123, MeSH D030342.
Seizures, benign familial infantile, 3 (BFIS3). Also called: CONVULSIONS, BENIGN FAMILIAL INFANTILE, 3; Familial neonatal seizures. Identifiers: Orphanet 140927, Orphanet 306, MedGen C1843140, MONDO:0011904, OMIM 607745.
Developmental and epileptic encephalopathy, 11 (DEE11). Also called: Early infantile epileptic encephalopathy 11. Identifiers: Orphanet 1934, MedGen C3150987, MONDO:0013388, OMIM 613721.

Submissions (2):

Ambry Genetics
Classification: Uncertain significance for Inborn genetic diseases. Last evaluated: 2025-11-20. Review status: criteria provided, single submitter. Criteria: Ambry Variant Classification Scheme 2023. Collection method: clinical testing. Allele origin: germline.

Labcorp Genetics (formerly Invitae), Labcorp
Classification: Uncertain significance for Seizures, benign familial infantile, 3; Developmental and epileptic encephalopathy, 11. Last evaluated: 2025-10-20. Review status: criteria provided, single submitter. Criteria: Invitae Variant Classification Sherloc (09022015). Collection method: clinical testing. Allele origin: germline.
Comment: This sequence change replaces serine, which is neutral and polar, with phenylalanine, which is neutral and non-polar, at codon 691 of the SCN2A protein (p.Ser691Phe). This variant is not present in population databases (gnomAD no frequency). This variant has not been reported in the literature in individuals affected with SCN2A-related conditions. ClinVar contains an entry for this variant (Variation ID: 3751787). Invitae Evidence Modeling of protein sequence and biophysical properties (such as structural, functional, and spatial information, amino acid conservation, physicochemical variation, residue mobility, and thermodynamic stability) indicates that this missense variant is expected to disrupt SCN2A protein function with a positive predictive value of 95%. In summary, the available evidence is currently insufficient to determine the role of this variant in disease. Therefore, it has been classified as a Variant of Uncertain Significance.

NM_001040142.2(SCN2A):c.2072C>T (p.Ser691Phe)

Gene: SCN2A (sodium voltage-gated channel alpha subunit 2; plus strand). Cytogenetic location: 2q24.3.
Variant type: single nucleotide variant.
Coding change: c.2072C>T on transcript NM_001040142.2 (MANE Select); coding-DNA position 2072, C replaced by T.
Protein change: p.Ser691Phe; replaces serine 691 with phenylalanine.
Molecular consequence: missense variant.
Genome position (GRCh38, 1-based): chr2:165,326,907, C>T. VCF-style: chr2-165326907-C-T. GRCh37 (hg19) VCF-style: chr2-166183417-C-T.
Other names: c.2072C>T (NM_021007.2); c.2072C>T, p.Ser691Phe (NM_001040143.2, NM_001371246.1, NM_001371247.1 and 1 more transcripts); short protein forms S691F.
Identifiers: ClinVar variation 3751787 (VCV003751787.3).